The following is an entry in ClinVar:

NM_014324.6(AMACR):c.289C>A (p.Arg97=)

Genes: AMACR (alpha-methylacyl-CoA racemase; minus strand), C1QTNF3-AMACR (C1QTNF3-AMACR readthrough (NMD candidate); minus strand). Cytogenetic location: 5p13.2.
Variant type: single nucleotide variant.
Coding change: c.289C>A on transcript NM_014324.6 (MANE Select); coding-DNA position 289, C replaced by A.
Protein change: p.Arg97=; no amino-acid change (arginine 97 retained).
Molecular consequence: synonymous variant. On other transcripts: non-coding transcript variant (1).
Genome position (GRCh38, 1-based): chr5:34,005,858, G>T on the plus strand (C>A on the coding strand, the complement: AMACR is on the minus strand). VCF-style: chr5-34005858-G-T. GRCh37 (hg19) VCF-style: chr5-34005963-G-T.
Other names: c.289C>A, p.Arg97= (NM_001167595.2, NM_203382.3).
Identifiers: ClinVar variation 903704 (VCV000903704.13), dbSNP rs757072374, ClinGen allele CA3226246.

ClinVar aggregate classification (germline): Conflicting classifications of pathogenicity. Review status: criteria provided, conflicting classifications (1 of 4 stars). 4 submissions from 4 submitters: Uncertain significance (1); Likely benign (3). Last evaluated 2025-12-19.

Conditions:
AMACR-related disorder. Also called: AMACR-related condition; AMACR-Related Disorders.
Alpha-methylacyl-CoA racemase deficiency (AMACRD). Also called: AMACR deficiency. Identifiers: Orphanet 79095, MedGen C3280428, MONDO:0013681, OMIM 614307. Disease mechanism: loss of function.

Allele frequency attached by ClinVar (database versions not stated): TOPMed 0.00001.
gnomAD v4.1: 17 of 1,614,060 alleles (0.0011%); highest among the groups gnomAD compares: Admixed American, 0.012%; no homozygotes.

Submissions (4):

Labcorp Genetics (formerly Invitae), Labcorp
Classification: Likely benign for Alpha-methylacyl-CoA racemase deficiency. Last evaluated: 2025-12-19. Review status: criteria provided, single submitter. Criteria: Invitae Variant Classification Sherloc (09022015). Collection method: clinical testing. Allele origin: germline.

PreventionGenetics, part of Exact Sciences
Classification: Likely benign for AMACR-related condition. Last evaluated: 2025-02-17. Review status: criteria provided, single submitter. Criteria: ACMG Guidelines, 2015. Collection method: clinical testing. Allele origin: germline.
Comment: This variant is classified as likely benign based on ACMG/AMP sequence variant interpretation guidelines (Richards et al. 2015 PMID: 25741868, with internal and published modifications).

Blueprint Genetics
Classification: Likely benign. Last evaluated: 2023-01-03. Review status: criteria provided, single submitter. Criteria: ACMG Guidelines, 2015. Collection method: clinical testing. Allele origin: germline.

Illumina Laboratory Services, Illumina
Classification: Uncertain significance for Alpha-methylacyl-CoA racemase deficiency. Last evaluated: 2018-03-23. Review status: criteria provided, single submitter. Criteria: ICSL Variant Classification Criteria 13 December 2019. Collection method: clinical testing. Allele origin: germline.